The following is an entry in ClinVar:

ClinVar aggregate classification (germline): Likely pathogenic (1 of 4 stars; one submission).

Conditions:
Hereditary cancer-predisposing syndrome. Also called: Neoplastic Syndromes, Hereditary; Tumor predisposition; Hereditary Cancer Syndrome; Hereditary neoplastic syndrome. Identifiers: Orphanet 140162, MedGen C0027672, MeSH D009386, MONDO:0015356.

Allele frequency attached by ClinVar (database versions not stated): gnomAD exomes below 0.00001.
gnomAD v4.1: 1 of 1,614,146 alleles (0.000062%); highest among the groups gnomAD compares: Non-Finnish European, 0.000085%; no homozygotes.

Submission:

Ambry Genetics
Classification: Likely pathogenic for Hereditary cancer-predisposing syndrome. Last evaluated: 2023-12-07. Review status: criteria provided, single submitter. Criteria: Ambry Variant Classification Scheme 2023. Collection method: clinical testing. Allele origin: germline.
Comment: The p.L65H variant (also known as c.194T>A), located in coding exon 2 of the SDHB gene, results from a T to A substitution at nucleotide position 194. The leucine at codon 65 is replaced by histidine, an amino acid with similar properties. This amino acid position is highly conserved in available vertebrate species. In addition, this alteration is predicted to be deleterious by in silico analysis. The c.200+3G>C intronic variant results from a G to C substitution 3 nucleotides after coding exon 2 in the SDHB gene. This nucleotide position is not well conserved in available vertebrate species. In silico splice site analysis predicts that this alteration will not have any significant effect on splicing. Tumor tissue from this individual contained a full length cDNA fragment including the p.L65H alteration and a cDNA fragment that was the result of exon 2 skipping (Benn DE et al. Oncogene. 2003 Mar; 22(9):1358-64). Based on the majority of available evidence to date, the p.L65H; c.200+3G>C haplotype is interpreted as likely pathogenic.

Literature cited by the submitters: PubMed 12618761.

NM_003000.3(SDHB):c.194T>A (p.Leu65His)

Gene: SDHB (succinate dehydrogenase complex iron sulfur subunit B; minus strand). Cytogenetic location: 1p36.13.
Variant type: single nucleotide variant.
Coding change: c.194T>A on transcript NM_003000.3 (MANE Select); coding-DNA position 194, T replaced by A.
Protein change: p.Leu65His; replaces leucine 65 with histidine.
Molecular consequence: missense variant.
Genome position (GRCh38, 1-based): chr1:17,044,767, A>T on the plus strand (T>A on the coding strand, the complement: SDHB is on the minus strand). VCF-style: chr1-17044767-A-T. GRCh37 (hg19) VCF-style: chr1-17371262-A-T.
Other names: short protein forms L65H.
Identifiers: ClinVar variation 231737 (VCV000231737.5), dbSNP rs876659329, ClinGen allele CA10577680.